The following is an entry in ClinVar:

ClinVar aggregate classification (germline): Uncertain significance (1 of 4 stars; one submission).

Conditions:
Nance-Horan syndrome (NHS). Identifiers: Orphanet 627, MedGen C0796085, MONDO:0010545, OMIM 302350.

gnomAD v4.1: 1 of 1,211,118 alleles (0.000083%); highest among the groups gnomAD compares: Non-Finnish European, 0.00011%; no homozygotes.

Submission:

Labcorp Genetics (formerly Invitae), Labcorp
Classification: Uncertain significance for Nance-Horan syndrome. Last evaluated: 2025-12-19. Review status: criteria provided, single submitter. Criteria: Invitae Variant Classification Sherloc (09022015). Collection method: clinical testing. Allele origin: germline.
Comment: This sequence change replaces valine, which is neutral and non-polar, with leucine, which is neutral and non-polar, at codon 1412 of the NHS protein (p.Val1412Leu). This variant is not present in population databases (gnomAD no frequency). This variant has not been reported in the literature in individuals affected with NHS-related conditions. Invitae Evidence Modeling of protein sequence and biophysical properties (such as structural, functional, and spatial information, amino acid conservation, physicochemical variation, residue mobility, and thermodynamic stability) indicates that this missense variant is not expected to disrupt NHS protein function with a negative predictive value of 80%. In summary, the available evidence is currently insufficient to determine the role of this variant in disease. Therefore, it has been classified as a Variant of Uncertain Significance.

NM_001291867.2(NHS):c.4297G>C (p.Val1433Leu)

Gene: NHS (NHS actin remodeling regulator; plus strand). Cytogenetic location: Xp22.13.
Variant type: single nucleotide variant.
Coding change: c.4297G>C on transcript NM_001291867.2 (MANE Select); coding-DNA position 4297, G replaced by C.
Protein change: p.Val1433Leu; replaces valine 1433 with leucine.
Molecular consequence: missense variant.
Genome position (GRCh38, 1-based): chrX:17,728,723, G>C. VCF-style: chrX-17728723-G-C. GRCh37 (hg19) VCF-style: chrX-17746843-G-C.
Other names: c.3766G>C, p.Val1256Leu (NM_001136024.4); c.3703G>C, p.Val1235Leu (NM_001291868.2); c.3958G>C, p.Val1320Leu (NM_001440780.1); c.4234G>C, p.Val1412Leu (NM_198270.4); short protein forms V1235L, V1433L, V1320L, V1256L, V1412L.
Identifiers: ClinVar variation 4769566 (VCV004769566.1).
Genomic context (GRCh38, chrX:17,728,723, plus strand): 5'-GATGACTCCATCATTTCACCACTTAGTGAAGACTCCCAAGCTGAAGCAGAGGGTGTGTTC[G>C]TGTCTCCAAACAAACCTCGAACAACTGAGGATTTATTTGCAGTCATTCACAGGTGAGGCA-3'
Protein context (NP_001278796.1, residues 1423-1443): DSQAEAEGVF[Val1433Leu]SPNKPRTTED